The following is an entry in ClinVar:

ClinVar aggregate classification (germline): Uncertain significance. Review status: criteria provided, multiple submitters, no conflicts (2 of 4 stars). 3 submissions from 3 submitters: Uncertain significance (3). Last evaluated 2022-08-19.

Conditions:
Asphyxiating thoracic dystrophy 3. Also called: Saldino-Noonan Syndrome; SHORT-RIB THORACIC DYSPLASIA 3 WITH OR WITHOUT POLYDACTYLY; POLYDACTYLY WITH NEONATAL CHONDRODYSTROPHY, TYPE I; SHORT-RIB THORACIC DYSPLASIA 3/6 WITH POLYDACTYLY, DIGENIC; Short rib polydactyly syndrome 2B. Identifiers: Orphanet 474, Orphanet 93269, Orphanet 93270, Orphanet 93271, MedGen C0036069, MONDO:0013127, OMIM 613091.
Jeune thoracic dystrophy. Also called: Jeune syndrome; Infantile thoracic dystrophy; Thoracic pelvic phalangeal dystrophy; Jeune's syndrome; Chondroectodermal dysplasia-like syndrome; Short-rib thoracic dysplasia. Identifiers: Orphanet 474, MedGen C0265275, MONDO:0018770.

Allele frequency attached by ClinVar (database versions not stated): gnomAD 0.00001; gnomAD exomes 0.00002; TOPMed 0.00002; ExAC 0.00004.
gnomAD v4.1: 15 of 1,612,958 alleles (0.00093%); highest among the groups gnomAD compares: Admixed American, 0.025%; no homozygotes.

Submissions (3):

Labcorp Genetics (formerly Invitae), Labcorp
Classification: Uncertain significance for Jeune thoracic dystrophy. Last evaluated: 2022-08-19. Review status: criteria provided, single submitter. Criteria: Invitae Variant Classification Sherloc (09022015). Collection method: clinical testing. Allele origin: germline.
Comment: This sequence change replaces threonine, which is neutral and polar, with serine, which is neutral and polar, at codon 1674 of the DYNC2H1 protein (p.Thr1674Ser). This variant is present in population databases (rs759859317, gnomAD 0.04%). This variant has not been reported in the literature in individuals affected with DYNC2H1-related conditions. Advanced modeling of protein sequence and biophysical properties (such as structural, functional, and spatial information, amino acid conservation, physicochemical variation, residue mobility, and thermodynamic stability) performed at Invitae indicates that this missense variant is not expected to disrupt DYNC2H1 protein function. In summary, the available evidence is currently insufficient to determine the role of this variant in disease. Therefore, it has been classified as a Variant of Uncertain Significance.

Department of Pathology and Laboratory Medicine, Sinai Health System
Classification: Uncertain significance for asphyxiating thoracic dystrophy 3. Last evaluated: 2022-02-09. Review status: criteria provided, single submitter. Criteria: ACMG Guidelines, 2015. Collection method: research. Allele origin: germline.

Blueprint Genetics
Classification: Uncertain significance. Last evaluated: 2019-06-24. Review status: criteria provided, single submitter. Criteria: ACMG Guidelines, 2015. Collection method: clinical testing. Allele origin: germline.

NM_001377.3(DYNC2H1):c.5021C>G (p.Thr1674Ser)

Gene: DYNC2H1 (dynein cytoplasmic 2 heavy chain 1; plus strand). Cytogenetic location: 11q22.3.
Variant type: single nucleotide variant.
Coding change: c.5021C>G on transcript NM_001377.3 (MANE Select); coding-DNA position 5021, C replaced by G.
Protein change: p.Thr1674Ser; replaces threonine 1674 with serine.
Molecular consequence: missense variant.
Genome position (GRCh38, 1-based): chr11:103,170,160, C>G. VCF-style: chr11-103170160-C-G. GRCh37 (hg19) VCF-style: chr11-103040889-C-G.
Other names: c.5021C>G, p.Thr1674Ser (NM_001080463.2); short protein forms T1674S.
Identifiers: ClinVar variation 2076901 (VCV002076901.3), dbSNP rs759859317, ClinGen allele CA6253681.
Genomic context (GRCh38, chr11:103,170,160, plus strand): 5'-TTGTATAGGGTAATGCTTCCAAACTGGTTTATACTCCACTGACAGACAAGTGCTACTTAA[C>G]TCTCACTCAAGCCATGAAGATGGGACTTGGAGGAAATCCTTATGGACCAGCTGGAACTGG-3'
Protein context (NP_001368.2, residues 1664-1684): YTPLTDKCYL[Thr1674Ser]LTQAMKMGLG